The following is an entry in ClinVar:

ClinVar aggregate classification (germline): Benign. Review status: criteria provided, multiple submitters, no conflicts (2 of 4 stars). 10 submissions from 10 submitters: Benign (8). 2 of the submissions do not count toward it. Last evaluated 2026-02-04.

Conditions:
Pontoneocerebellar hypoplasia. Also called: Pontocerebellar hypoplasia; Non-syndromic pontocerebellar hypoplasia. Identifiers: Orphanet 98523, MedGen C1261175, MONDO:0020135.

Allele frequency attached by ClinVar (database versions not stated): 1000 Genomes Project 0.07069; gnomAD 0.09387 and 0.09564; 1000 Genomes Project 30x 0.07292; gnomAD exomes 0.07781; TOPMed 0.09242; ESP Exome Variant Server 0.06962; ExAC 0.08265.
gnomAD v4.1: 146,193 of 1,547,262 alleles (9.4%); highest among the groups gnomAD compares: African/African-American, 11%; 7,342 homozygotes.

Submissions (10):

Labcorp Genetics (formerly Invitae), Labcorp
Classification: Benign. Last evaluated: 2026-02-04. Review status: criteria provided, single submitter. Criteria: Invitae Variant Classification Sherloc (09022015). Collection method: clinical testing. Allele origin: germline.

Illumina Laboratory Services, Illumina
Classification: Benign for Pontoneocerebellar hypoplasia. Last evaluated: 2018-01-13. Review status: criteria provided, single submitter. Criteria: ICSL Variant Classification Criteria 13 December 2019. Collection method: clinical testing. Allele origin: germline.
Comment: This variant was observed in the ICSL laboratory as part of a predisposition screen in an ostensibly healthy population. It had not been previously curated by ICSL or reported in the Human Gene Mutation Database (HGMD: prior to June 1st, 2018), and was therefore a candidate for classification through an automated scoring system. Utilizing variant allele frequency, disease prevalence and penetrance estimates, and inheritance mode, an automated score was calculated to assess if this variant is too frequent to cause the disease. Based on the score and internal cut-off values, a variant classified as benign is not then subjected to further curation. The score for this variant resulted in a classification of benign for this disease.

Athena Diagnostics
Classification: Benign. Last evaluated: 2017-04-20. Review status: criteria provided, single submitter. Criteria: Athena Diagnostics Criteria. Collection method: clinical testing. Allele origin: germline.

GeneDx
Classification: Benign. Last evaluated: 2013-12-31. Review status: criteria provided, single submitter. Criteria: GeneDx Variant Classification (06012015). Collection method: clinical testing. Allele origin: germline. Affected: yes.
Comment: This variant is considered likely benign or benign based on one or more of the following criteria: it is a conservative change, it occurs at a poorly conserved position in the protein, it is predicted to be benign by multiple in silico algorithms, and/or has population frequency not consistent with disease.

Eurofins Ntd Llc (ga)
Classification: Benign. Last evaluated: 2013-11-12. Review status: criteria provided, single submitter. Criteria: EGL Classification Definitions 2015. Collection method: clinical testing. Allele origin: germline. Observed: 8 variant alleles, 8 heterozygotes.

Genetic Services Laboratory, University of Chicago
Classification: Benign. Last evaluated: 2013-02-08. Review status: criteria provided, single submitter. Criteria: ACMG Guidelines, 2007. Collection method: clinical testing. Allele origin: germline. Inheritance: Autosomal recessive inheritance.

Breakthrough Genomics
Classification: Benign. Review status: criteria provided, single submitter. Criteria: ACMG Guidelines, 2015. Collection method: not provided. Allele origin: germline. Inheritance: Autosomal recessive inheritance. Affected: yes.

PreventionGenetics, part of Exact Sciences
Classification: Benign. Review status: criteria provided, single submitter. Criteria: ACMG Guidelines, 2015. Collection method: clinical testing. Allele origin: germline.

Clinical Genetics DNA and cytogenetics Diagnostics Lab, Erasmus MC, Erasmus Medical Center
Classification: Benign. Review status: no assertion criteria provided. Collection method: clinical testing. Allele origin: germline. Affected: yes. Study: VKGL Data-share Consensus. Not counted in ClinVar's aggregate classification.

Clinical Genetics, Academic Medical Center
Classification: Benign. Review status: no assertion criteria provided. Collection method: clinical testing. Allele origin: germline. Affected: yes. Study: VKGL Data-share Consensus. Not counted in ClinVar's aggregate classification.

NM_207346.3(TSEN54):c.1166A>C (p.Gln389Pro)

Gene: TSEN54 (tRNA splicing endonuclease subunit 54; plus strand). Cytogenetic location: 17q25.1.
Variant type: single nucleotide variant.
Coding change: c.1166A>C on transcript NM_207346.3 (MANE Select); coding-DNA position 1166, A replaced by C.
Protein change: p.Gln389Pro; replaces glutamine 389 with proline.
Molecular consequence: missense variant.
Genome position (GRCh38, 1-based): chr17:75,522,247, A>C. VCF-style: chr17-75522247-A-C. GRCh37 (hg19) VCF-style: chr17-73518328-A-C.
Other names: p.Q389P:CAG>CCG; short protein forms Q389P.
Identifiers: ClinVar variation 96672 (VCV000096672.25), dbSNP rs77247739, ClinGen allele CA149658.